The following is an entry in ClinVar:

NM_001134407.3(GRIN2A):c.521C>A (p.Thr174Asn)

Gene: GRIN2A (glutamate ionotropic receptor NMDA type subunit 2A; minus strand). Cytogenetic location: 16p13.2.
Variant type: single nucleotide variant.
Coding change: c.521C>A on transcript NM_001134407.3 (MANE Select); coding-DNA position 521, C replaced by A.
Protein change: p.Thr174Asn; replaces threonine 174 with asparagine.
Molecular consequence: missense variant.
Genome position (GRCh38, 1-based): chr16:9,938,445, G>T on the plus strand (C>A on the coding strand, the complement: GRIN2A is on the minus strand). VCF-style: chr16-9938445-G-T. GRCh37 (hg19) VCF-style: chr16-10032302-G-T.
Other names: c.521C>A, p.Thr174Asn (NM_000833.5, NM_001134408.2); short protein forms T174N.
Identifiers: ClinVar variation 2838866 (VCV002838866.3), dbSNP rs2543143050, ClinGen allele CA394799172.

ClinVar aggregate classification (germline): Uncertain significance (1 of 4 stars; one submission).

Conditions:
Landau-Kleffner syndrome (FESD). Also called: EPILEPSY, FOCAL, WITH SPEECH DISORDER AND WITH OR WITHOUT MENTAL RETARDATION; APHASIA, ACQUIRED, WITH EPILEPSY. Identifiers: Orphanet 1945, Orphanet 725, Orphanet 98818, MedGen C0282512, MONDO:0009509, OMIM 245570.

Submission:

Labcorp Genetics (formerly Invitae), Labcorp
Classification: Uncertain significance for Landau-Kleffner syndrome. Last evaluated: 2023-02-18. Review status: criteria provided, single submitter. Criteria: Invitae Variant Classification Sherloc (09022015). Collection method: clinical testing. Allele origin: germline.
Comment: This variant has not been reported in the literature in individuals affected with GRIN2A-related conditions. This variant is not present in population databases (gnomAD no frequency). This sequence change replaces threonine, which is neutral and polar, with asparagine, which is neutral and polar, at codon 174 of the GRIN2A protein (p.Thr174Asn). Advanced modeling of protein sequence and biophysical properties (such as structural, functional, and spatial information, amino acid conservation, physicochemical variation, residue mobility, and thermodynamic stability) performed at Invitae indicates that this missense variant is expected to disrupt GRIN2A protein function. In summary, the available evidence is currently insufficient to determine the role of this variant in disease. Therefore, it has been classified as a Variant of Uncertain Significance.